The following is an entry in ClinVar:

ClinVar aggregate classification (germline): Likely benign (1 of 4 stars; one submission).

Allele frequency attached by ClinVar (database versions not stated): gnomAD exomes below 0.00001.
gnomAD v4.1: 2 of 1,612,964 alleles (0.00012%); highest among the groups gnomAD compares: Middle Eastern, 0.017%; no homozygotes.

Submission:

CeGaT Center for Human Genetics Tuebingen
Classification: Likely benign. Last evaluated: 2022-04-01. Review status: criteria provided, single submitter. Criteria: CeGaT Center For Human Genetics Tuebingen Variant Classification Criteria Version 2. Collection method: clinical testing. Allele origin: germline. Affected: yes. Observed: 1 variant allele.
Comment: DCAF1: PM2:Supporting, BP4, BP7

NM_001387579.1(DCAF1):c.4347T>C (p.Asp1449=)

Gene: DCAF1 (DDB1 and CUL4 associated factor 1; minus strand). Cytogenetic location: 3p21.2.
Variant type: single nucleotide variant.
Coding change: c.4347T>C on transcript NM_001387579.1 (MANE Select); coding-DNA position 4347, T replaced by C.
Protein change: p.Asp1449=; no amino-acid change (aspartic acid 1449 retained).
Molecular consequence: synonymous variant. On other transcripts: non-coding transcript variant (2).
Genome position (GRCh38, 1-based): chr3:51,403,261, A>G on the plus strand (T>C on the coding strand, the complement: DCAF1 is on the minus strand). VCF-style: chr3-51403261-A-G. GRCh37 (hg19) VCF-style: chr3-51440695-A-G.
Other names: c.4344T>C, p.Asp1448= (NM_001171904.2, NM_001387582.1); c.4347T>C, p.Asp1449= (NM_001349168.2, NM_001349169.2, NM_001349170.2 and 4 more transcripts); c.4101T>C, p.Asp1367= (NM_001349171.2, NM_001387583.1).
Identifiers: ClinVar variation 2653871 (VCV002653871.24), dbSNP rs2470919716, ClinGen allele CA433871991.